The following is an entry in ClinVar:

ClinVar aggregate classification (germline): Benign (1 of 4 stars; one submission).

Allele frequency attached by ClinVar (database versions not stated): 1000 Genomes Project 0.24121; 1000 Genomes Project 30x 0.24329; gnomAD 0.26398 and 0.26472; TOPMed 0.26414.
gnomAD v4.1: 40,225 of 152,168 alleles (26%); highest among the groups gnomAD compares: Non-Finnish European, 30%; 5,481 homozygotes.

Submission:

GeneDx
Classification: Benign. Last evaluated: 2018-06-16. Review status: criteria provided, single submitter. Criteria: GeneDx Variant Classification (06012015). Collection method: clinical testing. Allele origin: germline. Affected: yes.
Comment: This variant is considered likely benign or benign based on one or more of the following criteria: it is a conservative change, it occurs at a poorly conserved position in the protein, it is predicted to be benign by multiple in silico algorithms, and/or has population frequency not consistent with disease.

NM_006440.5(TXNRD2):c.1275+163G>C

Gene: TXNRD2 (thioredoxin reductase 2; minus strand). Cytogenetic location: 22q11.21.
Variant type: single nucleotide variant.
Coding change: c.1275+163G>C on transcript NM_006440.5 (MANE Select); 163 bases into the intron after coding-DNA position 1275, G replaced by C.
Molecular consequence: intron variant.
Genome position (GRCh38, 1-based): chr22:19,880,016, C>G on the plus strand (G>C on the coding strand, the complement: TXNRD2 is on the minus strand). VCF-style: chr22-19880016-C-G. GRCh37 (hg19) VCF-style: chr22-19867539-C-G.
Other names: c.1272+163G>C (NM_001352300.2); c.987+163G>C (NM_001352302.2); c.1185+163G>C (NM_001352301.2).
Identifiers: ClinVar variation 678644 (VCV000678644.1), dbSNP rs11913319, ClinGen allele CA14963899.